The following is an entry in ClinVar:

NM_020911.2(PLXNA4):c.3492+3G>A

Gene: PLXNA4 (plexin A4; minus strand). Cytogenetic location: 7q32.3.
Variant type: single nucleotide variant.
Coding change: c.3492+3G>A on transcript NM_020911.2 (MANE Select); 3 bases into the intron after coding-DNA position 3492, G replaced by A.
Molecular consequence: intron variant.
Genome position (GRCh38, 1-based): chr7:132,181,378, C>T on the plus strand (G>A on the coding strand, the complement: PLXNA4 is on the minus strand). VCF-style: chr7-132181378-C-T. GRCh37 (hg19) VCF-style: chr7-131866137-C-T.
Other names: c.3492+3G>A (NM_001393897.1).
Identifiers: ClinVar variation 3032899 (VCV003032899.2), dbSNP rs769323187, ClinGen allele CA4489491.

ClinVar aggregate classification (germline): Likely benign (0 of 4 stars; one submission).

Conditions:
PLXNA4-related disorder. Also called: PLXNA4-related condition.

Allele frequency attached by ClinVar (database versions not stated): ExAC 0.00001; gnomAD exomes 0.00001; TOPMed 0.00001; gnomAD 0.00002.
gnomAD v4.1: 25 of 1,613,772 alleles (0.0015%); highest among the groups gnomAD compares: Non-Finnish European, 0.0018%; no homozygotes.

Submission:

PreventionGenetics, part of Exact Sciences
Classification: Likely benign for PLXNA4-related condition. Last evaluated: 2024-01-03. Review status: no assertion criteria provided. Collection method: clinical testing. Allele origin: germline.
Comment: This variant is classified as likely benign based on ACMG/AMP sequence variant interpretation guidelines (Richards et al. 2015 PMID: 25741868, with internal and published modifications).